The following is an entry in ClinVar:

ClinVar aggregate classification (germline): Uncertain significance (1 of 4 stars; one submission).

Conditions:
TERT-related disorder. Also called: TERT-related condition; TERT-related disorders.

Submission:

3billion
Classification: Uncertain significance for TERT-related disorder. Last evaluated: 2025-11-17. Review status: criteria provided, single submitter. Criteria: ACMG Guidelines, 2015. Collection method: clinical testing. Allele origin: germline. Affected: yes.
Comment: The variant is not observed in the gnomAD v4.1.0 dataset. Predicted Consequence/Location: Canonical splice site: predicted to alter splicing and result in a loss or disruption of normal protein function.However, it remains uncertain if TERT is subject to haploinsufficiency (ClinGen:ISCA-15968). In silico tools predict the variant to alter splicing and produce an abnormal transcript [SpliceAI: 0.91 (spliceogenicity >=0.2, non-spliceogenicity <0.1)]. Therefore, this variant is classified as VUS according to the recommendation of ACMG/AMP guideline.

NM_198253.3(TERT):c.2843+2T>C

Gene: TERT (telomerase reverse transcriptase; minus strand). Cytogenetic location: 5p15.33.
Variant type: single nucleotide variant.
Coding change: c.2843+2T>C on transcript NM_198253.3 (MANE Select); the canonical splice donor site of the intron after coding-DNA position 2843, T replaced by C.
Molecular consequence: splice donor variant. On other transcripts: intron variant (1).
Genome position (GRCh38, 1-based): chr5:1,264,402, A>G on the plus strand (T>C on the coding strand, the complement: TERT is on the minus strand). VCF-style: chr5-1264402-A-G. GRCh37 (hg19) VCF-style: chr5-1264517-A-G.
Other names: c.2654+2062T>C (NM_001193376.3).
Identifiers: ClinVar variation 4854549 (VCV004854549.1).